The following is an entry in ClinVar:

ClinVar aggregate classification (germline): Uncertain significance (0 of 4 stars; one submission).

Submission:

Biesecker Lab/Clinical Genomics Section, National Institutes of Health
Classification: Uncertain significance. Last evaluated: 2012-07-13. Review status: no assertion criteria provided. Collection method: research. Allele origin: germline. Affected: no. Observed: 1 variant allele. Study: ClinSeq.
ClinVar note: Converted during submission from variant of unknown significance to Uncertain significance.

NM_000245.4(MET):c.1237C>A (p.Arg413Ser)

Gene: MET (MET proto-oncogene, receptor tyrosine kinase; plus strand). Cytogenetic location: 7q31.2.
Variant type: single nucleotide variant.
Coding change: c.1237C>A on transcript NM_000245.4 (MANE Select); coding-DNA position 1237, C replaced by A.
Protein change: p.Arg413Ser; replaces arginine 413 with serine.
Molecular consequence: missense variant. On other transcripts: 5 prime UTR variant (1).
Genome position (GRCh38, 1-based): chr7:116,731,704, C>A. VCF-style: chr7-116731704-C-A. GRCh37 (hg19) VCF-style: chr7-116371758-C-A.
Other names: c.1237C>A, p.Arg413Ser (NM_001127500.3, NM_001324401.3); c.-54C>A (NM_001324402.2); short protein forms R413S.
Identifiers: ClinVar variation 41614 (VCV000041614.2), dbSNP rs201980687, ClinGen allele CA215624.